The following is an entry in ClinVar:

ClinVar aggregate classification (germline): Uncertain significance. Review status: criteria provided, multiple submitters, no conflicts (2 of 4 stars). 2 submissions from 2 submitters: Uncertain significance (2). Last evaluated 2023-11-03.

Conditions:
Saldino-Mainzer syndrome (SRTD9). Also called: Renal dysplasia, retinal pigmentary dystrophy, cerebellar ataxia and skeletal dysplasia; CONORENAL SYNDROME; short-rib thoracic dysplasia 9 with or without polydactyly; SHORT-RIB THORACIC DYSPLASIA 9 WITHOUT POLYDACTYLY. Identifiers: Orphanet 140969, MedGen C1849437, MONDO:0009964, OMIM 266920.
Inborn genetic diseases. Identifiers: MedGen C0950123, MeSH D030342.

Allele frequency attached by ClinVar (database versions not stated): TOPMed below 0.00001; gnomAD 0.00001; ExAC 0.00002.
gnomAD v4.1: 8 of 1,578,906 alleles (0.00051%); highest among the groups gnomAD compares: Admixed American, 0.0035%; no homozygotes.

Submissions (2):

Ambry Genetics
Classification: Uncertain significance for Inborn genetic diseases. Last evaluated: 2023-11-03. Review status: criteria provided, single submitter. Criteria: Ambry Variant Classification Scheme 2023. Collection method: clinical testing. Allele origin: germline.

Labcorp Genetics (formerly Invitae), Labcorp
Classification: Uncertain significance for Saldino-Mainzer syndrome. Last evaluated: 2022-07-01. Review status: criteria provided, single submitter. Criteria: Invitae Variant Classification Sherloc (09022015). Collection method: clinical testing. Allele origin: germline.
Comment: Algorithms developed to predict the effect of missense changes on protein structure and function are either unavailable or do not agree on the potential impact of this missense change (SIFT: "Deleterious"; PolyPhen-2: "Possibly Damaging"; Align-GVGD: "Class C0"). This variant has not been reported in the literature in individuals affected with IFT140-related conditions. This variant is present in population databases (rs769499793, gnomAD 0.006%). This sequence change replaces alanine, which is neutral and non-polar, with valine, which is neutral and non-polar, at codon 1011 of the IFT140 protein (p.Ala1011Val). In summary, the available evidence is currently insufficient to determine the role of this variant in disease. Therefore, it has been classified as a Variant of Uncertain Significance.

NM_014714.4(IFT140):c.3032C>T (p.Ala1011Val)

Genes: IFT140 (intraflagellar transport 140; minus strand), LOC126862260 (CDK7 strongly-dependent group 2 enhancer GRCh37_chr16:1574508-1575707; plus strand). Cytogenetic location: 16p13.3.
Variant type: single nucleotide variant.
Coding change: c.3032C>T on transcript NM_014714.4 (MANE Select); coding-DNA position 3032, C replaced by T.
Protein change: p.Ala1011Val; replaces alanine 1011 with valine.
Molecular consequence: missense variant.
Genome position (GRCh38, 1-based): chr16:1,524,661, G>A on the plus strand (C>T on the coding strand, the complement: IFT140 is on the minus strand). VCF-style: chr16-1524661-G-A. GRCh37 (hg19) VCF-style: chr16-1574662-G-A.
Other names: c.3032C>T (NM_014714.3); short protein forms A1011V.
Identifiers: ClinVar variation 1924378 (VCV001924378.6), dbSNP rs769499793, ClinGen allele CA7813354.